The following is an entry in ClinVar:

ClinVar aggregate classification (germline): Uncertain significance. Review status: criteria provided, multiple submitters, no conflicts (2 of 4 stars). 2 submissions from 2 submitters: Uncertain significance (2). Last evaluated 2025-08-09.

Conditions:
Inborn genetic diseases. Identifiers: MedGen C0950123, MeSH D030342.

Allele frequency attached by ClinVar (database versions not stated): ExAC 0.00001; gnomAD 0.00001; 1000 Genomes Project 0.00040; 1000 Genomes Project 30x 0.00047.
gnomAD v4.1: 2 of 1,613,084 alleles (0.00012%); highest among the groups gnomAD compares: Admixed American, 0.0033%; no homozygotes.

Submissions (2):

Ambry Genetics
Classification: Uncertain significance for Inborn genetic diseases. Last evaluated: 2025-08-09. Review status: criteria provided, single submitter. Criteria: Ambry Variant Classification Scheme 2023. Collection method: clinical testing. Allele origin: germline.

Labcorp Genetics (formerly Invitae), Labcorp
Classification: Uncertain significance. Last evaluated: 2022-07-01. Review status: criteria provided, single submitter. Criteria: Invitae Variant Classification Sherloc (09022015). Collection method: clinical testing. Allele origin: germline.
Comment: This sequence change replaces glycine, which is neutral and non-polar, with aspartic acid, which is acidic and polar, at codon 749 of the NBAS protein (p.Gly749Asp). This variant is present in population databases (rs544578792, gnomAD 0.003%). This variant has not been reported in the literature in individuals affected with NBAS-related conditions. Algorithms developed to predict the effect of missense changes on protein structure and function (SIFT, PolyPhen-2, Align-GVGD) all suggest that this variant is likely to be disruptive. In summary, the available evidence is currently insufficient to determine the role of this variant in disease. Therefore, it has been classified as a Variant of Uncertain Significance.

NM_015909.4(NBAS):c.2246G>A (p.Gly749Asp)

Gene: NBAS (NBAS subunit of NRZ tethering complex; minus strand). Cytogenetic location: 2p24.3.
Variant type: single nucleotide variant.
Coding change: c.2246G>A on transcript NM_015909.4 (MANE Select); coding-DNA position 2246, G replaced by A.
Protein change: p.Gly749Asp; replaces glycine 749 with aspartic acid.
Molecular consequence: missense variant. On other transcripts: non-coding transcript variant (1).
Genome position (GRCh38, 1-based): chr2:15,461,294, C>T on the plus strand (G>A on the coding strand, the complement: NBAS is on the minus strand). VCF-style: chr2-15461294-C-T. GRCh37 (hg19) VCF-style: chr2-15601418-C-T.
Other names: c.2246G>A (NM_015909.2); short protein forms G749D.
Identifiers: ClinVar variation 1969073 (VCV001969073.3), dbSNP rs544578792, ClinGen allele CA1536422.